The following is an entry in ClinVar:

ClinVar aggregate classification (germline): Uncertain significance (1 of 4 stars; one submission).

Allele frequency attached by ClinVar (database versions not stated): gnomAD 0.00001; gnomAD exomes 0.00001; ExAC 0.00002.
gnomAD v4.1: 18 of 1,613,918 alleles (0.0011%); highest among the groups gnomAD compares: South Asian, 0.02%; no homozygotes.

Submission:

Labcorp Genetics (formerly Invitae), Labcorp
Classification: Uncertain significance. Last evaluated: 2023-11-19. Review status: criteria provided, single submitter. Criteria: Invitae Variant Classification Sherloc (09022015). Collection method: clinical testing. Allele origin: germline.
Comment: This sequence change replaces proline, which is neutral and non-polar, with arginine, which is basic and polar, at codon 428 of the THBD protein (p.Pro428Arg). This variant is present in population databases (rs758443350, gnomAD 0.01%). This variant has not been reported in the literature in individuals affected with THBD-related conditions. An algorithm developed to predict the effect of missense changes on protein structure and function (PolyPhen-2) suggests that this variant is likely to be disruptive. In summary, the available evidence is currently insufficient to determine the role of this variant in disease. Therefore, it has been classified as a Variant of Uncertain Significance.

NM_000361.3(THBD):c.1283C>G (p.Pro428Arg)

Gene: THBD (thrombomodulin; minus strand). Cytogenetic location: 20p11.21.
Variant type: single nucleotide variant.
Coding change: c.1283C>G on transcript NM_000361.3 (MANE Select); coding-DNA position 1283, C replaced by G.
Protein change: p.Pro428Arg; replaces proline 428 with arginine.
Molecular consequence: missense variant.
Genome position (GRCh38, 1-based): chr20:23,048,222, G>C on the plus strand (C>G on the coding strand, the complement: THBD is on the minus strand). VCF-style: chr20-23048222-G-C. GRCh37 (hg19) VCF-style: chr20-23028859-G-C.
Other names: short protein forms P428R.
Identifiers: ClinVar variation 2993561 (VCV002993561.3), dbSNP rs758443350, ClinGen allele CA9787591.